The following is an entry in ClinVar:

NM_001184900.3(CARD8):c.368A>G (p.Glu123Gly)

Gene: CARD8 (caspase recruitment domain family member 8; minus strand). Cytogenetic location: 19q13.33.
Variant type: single nucleotide variant.
Coding change: c.368A>G on transcript NM_001184900.3 (MANE Select); coding-DNA position 368, A replaced by G.
Protein change: p.Glu123Gly; replaces glutamic acid 123 with glycine.
Molecular consequence: missense variant. On other transcripts: intron variant (6).
Genome position (GRCh38, 1-based): chr19:48,232,476, T>C on the plus strand (A>G on the coding strand, the complement: CARD8 is on the minus strand). VCF-style: chr19-48232476-T-C. GRCh37 (hg19) VCF-style: chr19-48735733-T-C.
Other names: c.77-666A>G (NM_001365950.1, NM_001351787.2, NM_001351791.2 and 2 more transcripts); c.368A>G, p.Glu123Gly (NM_001351782.2, NM_001184902.2, NM_001184903.1); c.218A>G, p.Glu73Gly (NM_001351783.2, NM_001351788.2, NM_001351789.2 and 2 more transcripts); c.32A>G, p.Glu11Gly (NM_001351786.2); c.149-666A>G (NM_001351790.2); short protein forms E123G, E73G, E11G.
Identifiers: ClinVar variation 3650017 (VCV003650017.2).
Genomic context (GRCh38, chr19:48,232,476, plus strand): 5'-CACACGCCCTTCACTCCTCTCCCTATTAGCCCATTACCTGAATCTTGTCCCTCTGAAGAT[T>C]CCTGCTCTTCTGATACACTGGAGGTTGGGATCCCCATGTTACAAAAAGATGAAAAACATC-3'
Protein context (NP_001171829.1, residues 113-133): GDIPSVSEEQ[Glu123Gly]SSEGQDSGDI

ClinVar aggregate classification (germline): Uncertain significance (1 of 4 stars; one submission).

Submission:

Labcorp Genetics (formerly Invitae), Labcorp
Classification: Uncertain significance. Last evaluated: 2024-04-15. Review status: criteria provided, single submitter. Criteria: Invitae Variant Classification Sherloc (09022015). Collection method: clinical testing. Allele origin: germline.
Comment: This sequence change replaces glutamic acid, which is acidic and polar, with glycine, which is neutral and non-polar, at codon 73 of the CARD8 protein (p.Glu73Gly). This variant is not present in population databases (gnomAD no frequency). This variant has not been reported in the literature in individuals affected with CARD8-related conditions. An algorithm developed to predict the effect of missense changes on protein structure and function (PolyPhen-2) suggests that this variant is likely to be tolerated. In summary, the available evidence is currently insufficient to determine the role of this variant in disease. Therefore, it has been classified as a Variant of Uncertain Significance.